The following is an entry in ClinVar:

NM_020719.3(PRR12):c.2880C>T (p.Asp960=)

Gene: PRR12 (proline rich 12; plus strand). Cytogenetic location: 19q13.33.
Variant type: single nucleotide variant.
Coding change: c.2880C>T on transcript NM_020719.3 (MANE Select); coding-DNA position 2880, C replaced by T.
Protein change: p.Asp960=; no amino-acid change (aspartic acid 960 retained).
Molecular consequence: synonymous variant.
Genome position (GRCh38, 1-based): chr19:49,597,215, C>T. VCF-style: chr19-49597215-C-T. GRCh37 (hg19) VCF-style: chr19-50100472-C-T.
Identifiers: ClinVar variation 4821287 (VCV004821287.4).

ClinVar aggregate classification (germline): Likely benign (1 of 4 stars; one submission).

gnomAD v4.1: 321 of 1,567,124 alleles (0.02%); highest among the groups gnomAD compares: Admixed American, 0.57%; 6 homozygotes.

Submission:

CeGaT Center for Human Genetics Tuebingen
Classification: Likely benign. Last evaluated: 2026-04-01. Review status: criteria provided, single submitter. Criteria: CeGaT Center For Human Genetics Tuebingen Variant Classification Criteria Version 2. Collection method: clinical testing. Allele origin: germline. Affected: yes. Observed: 3 variant alleles.
Comment: PRR12: BP4, BP7, BS1